The following is an entry in ClinVar:

NM_000059.4(BRCA2):c.3916del (p.Val1306fs)

Gene: BRCA2 (BRCA2 DNA repair associated; plus strand). Cytogenetic location: 13q13.1.
Variant type: Deletion.
Coding change: c.3916del on transcript NM_000059.4 (MANE Select); coding-DNA position 3916, one base deleted (G; older notation c.3916delG).
Protein change: p.Val1306fs; shifts the reading frame from valine 1306.
Molecular consequence: frameshift variant. On other transcripts: non-coding transcript variant (1), intron variant (2).
Genome position (GRCh38, 1-based): chr13:32,338,271, G deleted. VCF-style (leftmost placement, unchanged base first): chr13-32338270-TG-T. GRCh37 (hg19) VCF-style: chr13-32912407-TG-T.
Other names: c.3916del, p.Val1306fs (NM_001406719.1, NM_001406720.1, NM_001432077.1); c.1909+4884del (NM_001406721.1); c.425-6287del (NM_001406722.1); short protein forms V1306fs.
Identifiers: ClinVar variation 4875779 (VCV004875779.1).

ClinVar aggregate classification (germline): Pathogenic (1 of 4 stars; one submission).

Conditions:
Breast-ovarian cancer, familial, susceptibility to, 2 (BROVCA2). Also called: BRCA2 Hereditary Breast and Ovarian Cancer. Identifiers: Orphanet 145, MedGen C2675520, MONDO:0012933, OMIM 612555. Disease mechanism: loss of function.

Submission:

Myriad Genetics, Inc.
Classification: Pathogenic for Breast-ovarian cancer, familial, susceptibility to, 2. Last evaluated: 2026-06-30. Review status: criteria provided, single submitter. Criteria: Myriad Autosomal Dominant, Autosomal Recessive and X-Linked Classification Criteria (2023). Collection method: clinical testing. Allele origin: unknown.
Comment: This variant is considered pathogenic. This variant creates a frameshift predicted to result in premature protein truncation.